The following is an entry in ClinVar:

ClinVar aggregate classification (germline): Uncertain significance. Review status: criteria provided, multiple submitters, no conflicts (2 of 4 stars). 3 submissions from 3 submitters: Uncertain significance (2). 1 of the submissions does not count toward it. Last evaluated 2025-03-17.

Conditions:
PLXNA2-related disorder. Also called: PLXNA2-related condition.

Allele frequency attached by ClinVar (database versions not stated): gnomAD exomes 0.00004; TOPMed 0.00005; gnomAD 0.00006; ExAC 0.00011; ESP Exome Variant Server 0.00023.
gnomAD v4.1: 72 of 1,613,120 alleles (0.0045%); highest among the groups gnomAD compares: African/African-American, 0.015%; no homozygotes.

Submissions (3):

Labcorp Genetics (formerly Invitae), Labcorp
Classification: Uncertain significance. Last evaluated: 2025-03-17. Review status: criteria provided, single submitter. Criteria: Invitae Variant Classification Sherloc (09022015). Collection method: clinical testing. Allele origin: germline.
Comment: This sequence change replaces valine, which is neutral and non-polar, with methionine, which is neutral and non-polar, at codon 1842 of the PLXNA2 protein (p.Val1842Met). This variant is present in population databases (rs139305640, gnomAD 0.02%). This variant has not been reported in the literature in individuals affected with PLXNA2-related conditions. ClinVar contains an entry for this variant (Variation ID: 2052739). Invitae Evidence Modeling of protein sequence and biophysical properties (such as structural, functional, and spatial information, amino acid conservation, physicochemical variation, residue mobility, and thermodynamic stability) indicates that this missense variant is not expected to disrupt PLXNA2 protein function with a negative predictive value of 80%. In summary, the available evidence is currently insufficient to determine the role of this variant in disease. Therefore, it has been classified as a Variant of Uncertain Significance.

Ambry Genetics
Classification: Uncertain significance. Last evaluated: 2022-05-26. Review status: criteria provided, single submitter. Criteria: Ambry Variant Classification Scheme 2023. Collection method: clinical testing. Allele origin: germline.

PreventionGenetics, part of Exact Sciences
Classification: Uncertain significance for PLXNA2-related condition. Last evaluated: 2024-07-15. Review status: no assertion criteria provided. Collection method: clinical testing. Allele origin: germline. Not counted in ClinVar's aggregate classification.
Comment: The PLXNA2 c.5524G>A variant is predicted to result in the amino acid substitution p.Val1842Met. To our knowledge, this variant has not been reported in the literature. This variant is reported in 0.020% of alleles in individuals of African descent in gnomAD. At this time, the clinical significance of this variant is uncertain due to the absence of conclusive functional and genetic evidence.

NM_025179.4(PLXNA2):c.5524G>A (p.Val1842Met)

Gene: PLXNA2 (plexin A2; minus strand). Cytogenetic location: 1q32.2.
Variant type: single nucleotide variant.
Coding change: c.5524G>A on transcript NM_025179.4 (MANE Select); coding-DNA position 5524, G replaced by A.
Protein change: p.Val1842Met; replaces valine 1842 with methionine.
Molecular consequence: missense variant.
Genome position (GRCh38, 1-based): chr1:208,028,074, C>T on the plus strand (G>A on the coding strand, the complement: PLXNA2 is on the minus strand). VCF-style: chr1-208028074-C-T. GRCh37 (hg19) VCF-style: chr1-208201419-C-T.
Other names: c.5524G>A (NM_025179.3); short protein forms V1842M.
Identifiers: ClinVar variation 2052739 (VCV002052739.7), dbSNP rs139305640, ClinGen allele CA1372536.
Genomic context (GRCh38, chr1:208,028,074, plus strand): 5'-CACTATACTTGCTGACATAGGAGTAGATCTCATTGAGGGCACTCAGCATGTTGAACTCCA[C>T]GGCGTGCAGGCGGGACTGCTCGGCGAGGTAGGCATTCATGTCCTGGTCACTGATGGCTGG-3'
Protein context (NP_079455.3, residues 1832-1852): YLAEQSRLHA[Val1842Met]EFNMLSALNE